The following is an entry in ClinVar:

ClinVar aggregate classification (germline): Likely pathogenic (1 of 4 stars; one submission).

Conditions:
Glycogen storage disease type III (GSD3). Also called: FORBES DISEASE; Cori disease. Identifiers: Orphanet 366, MedGen C0017922, MONDO:0009291, OMIM 232400.

Submission:

Labcorp Genetics (formerly Invitae), Labcorp
Classification: Likely pathogenic for Glycogen storage disease type III. Last evaluated: 2025-09-11. Review status: criteria provided, single submitter. Criteria: Invitae Variant Classification Sherloc (09022015). Collection method: clinical testing. Allele origin: germline.
Comment: This sequence change affects a donor splice site in intron 28 of the AGL gene. It is expected to disrupt RNA splicing. Variants that disrupt the donor or acceptor splice site typically lead to a loss of protein function (PMID: 16199547), and loss-of-function variants in AGL are known to be pathogenic (PMID: 19299494). This variant is not present in population databases (gnomAD no frequency). This variant has not been reported in the literature in individuals affected with AGL-related conditions. Algorithms developed to predict the effect of sequence changes on RNA splicing suggest that this variant may disrupt the consensus splice site. In summary, the currently available evidence indicates that the variant is pathogenic, but additional data are needed to prove that conclusively. Therefore, this variant has been classified as Likely Pathogenic.

Literature cited by the submitters: PubMed 16199547; PubMed 19299494.

NM_000642.3(AGL):c.3836+1G>C

Gene: AGL (amylo-alpha-1,6-glucosidase and 4-alpha-glucanotransferase; plus strand). Cytogenetic location: 1p21.2.
Variant type: single nucleotide variant.
Coding change: c.3836+1G>C on transcript NM_000642.3 (MANE Select); the canonical splice donor site of the intron after coding-DNA position 3836, G replaced by C.
Molecular consequence: splice donor variant.
Genome position (GRCh38, 1-based): chr1:99,910,848, G>C. VCF-style: chr1-99910848-G-C. GRCh37 (hg19) VCF-style: chr1-100376404-G-C.
Other names: c.3836+1G>C (NM_000643.3, NM_000644.3, NM_001425325.1 and 1 more transcripts); c.3788+1G>C (NM_000646.3); c.3815+1G>C (NM_001425326.1); c.3635+1G>C (NM_001425327.1); c.3632+1G>C (NM_001425328.1); c.3497+1G>C (NM_001425329.1); c.3458+1G>C (NM_001425332.1).
Identifiers: ClinVar variation 4727043 (VCV004727043.1).